The following is an entry in ClinVar:

NM_138694.4(PKHD1):c.5235C>T (p.Phe1745=)

Genes: PKHD1 (PKHD1 ciliary IPT domain containing fibrocystin/polyductin; minus strand), LOC126859690 (MED14-independent group 3 enhancer GRCh37_chr6:51888848-51890047; plus strand). Cytogenetic location: 6p12.2.
Variant type: single nucleotide variant.
Coding change: c.5235C>T on transcript NM_138694.4 (MANE Select); coding-DNA position 5235, C replaced by T.
Protein change: p.Phe1745=; no amino-acid change (phenylalanine 1745 retained).
Molecular consequence: synonymous variant.
Genome position (GRCh38, 1-based): chr6:52,024,575, G>A on the plus strand (C>T on the coding strand, the complement: PKHD1 is on the minus strand). VCF-style: chr6-52024575-G-A. GRCh37 (hg19) VCF-style: chr6-51889373-G-A.
Other names: c.5235C>T, p.Phe1745= (NM_170724.3).
Identifiers: ClinVar variation 458599 (VCV000458599.23), dbSNP rs187667255, ClinGen allele CA3852583.
Genomic context (GRCh38, chr6:52,024,575, plus strand): 5'-AAAGGAGCTACCAATTCATTTACATAAAGAAAGTGTGCTGTCTTATTTGCTTGACTTACC[G>A]AAGTTCTCCGTCACTGCTGTAATAATAACTCTTGAGGTGAACACCAGGGCAGATGAGGCC-3'
Protein context (NP_619639.3, residues 1735-1755): RVIITAVTEN[Phe1745=]GCLGGRLVHV

ClinVar aggregate classification (germline): Conflicting classifications of pathogenicity. Review status: criteria provided, conflicting classifications (1 of 4 stars). 4 submissions from 4 submitters: Uncertain significance (1); Likely benign (1). 2 of the submissions do not count toward it. Last evaluated 2026-01-25.

Conditions:
PKHD1-related disorder. Also called: PKHD1-related condition.
Autosomal recessive polycystic kidney disease (ARPKD). Also called: AR polycystic kidney disease. Identifiers: Orphanet 731, Orphanet 8378, MedGen C0085548, MeSH D017044, MONDO:0009889.

Allele frequency attached by ClinVar (database versions not stated): gnomAD exomes 0.00004 and 0.00008; ExAC 0.00006; gnomAD 0.00028 and 0.00029; TOPMed 0.00043; 1000 Genomes Project 0.00140; 1000 Genomes Project 30x 0.00141.
gnomAD v4.1: 124 of 1,613,660 alleles (0.0077%); highest among the groups gnomAD compares: Middle Eastern, 0.12%; no homozygotes.

Submissions (4):

Labcorp Genetics (formerly Invitae), Labcorp
Classification: Likely benign for Autosomal recessive polycystic kidney disease. Last evaluated: 2026-01-25. Review status: criteria provided, single submitter. Criteria: Invitae Variant Classification Sherloc (09022015). Collection method: clinical testing. Allele origin: germline.

Eurofins Ntd Llc (ga)
Classification: Uncertain significance. Last evaluated: 2017-04-20. Review status: criteria provided, single submitter. Criteria: EGL Classification Definitions 2015. Collection method: clinical testing. Allele origin: germline. Observed: 2 variant alleles, 2 heterozygotes.

PreventionGenetics, part of Exact Sciences
Classification: Likely benign for PKHD1-related condition. Last evaluated: 2019-04-15. Review status: no assertion criteria provided. Collection method: clinical testing. Allele origin: germline. Not counted in ClinVar's aggregate classification.
Comment: This variant is classified as likely benign based on ACMG/AMP sequence variant interpretation guidelines (Richards et al. 2015 PMID: 25741868, with internal and published modifications).

Natera, Inc.
Classification: Likely benign for Autosomal recessive polycystic kidney disease. Last evaluated: 2017-05-11. Review status: no assertion criteria provided. Collection method: clinical testing. Allele origin: germline. Not counted in ClinVar's aggregate classification.